The following is an entry in ClinVar:

NM_005591.4(MRE11):c.481A>G (p.Lys161Glu)

Gene: MRE11 (MRE11 double strand break repair nuclease; minus strand). Cytogenetic location: 11q21.
Variant type: single nucleotide variant.
Coding change: c.481A>G on transcript NM_005591.4 (MANE Select); coding-DNA position 481, A replaced by G.
Protein change: p.Lys161Glu; replaces lysine 161 with glutamic acid.
Molecular consequence: missense variant.
Genome position (GRCh38, 1-based): chr11:94,478,798, T>C on the plus strand (A>G on the coding strand, the complement: MRE11 is on the minus strand). VCF-style: chr11-94478798-T-C. GRCh37 (hg19) VCF-style: chr11-94211964-T-C.
Other names: c.481A>G, p.Lys161Glu (NM_001330347.2, NM_005590.4); short protein forms K161E.
Identifiers: ClinVar variation 1799897 (VCV001799897.2), dbSNP rs2496556043, ClinGen allele CA382377486.

ClinVar aggregate classification (germline): Uncertain significance (1 of 4 stars; one submission).

Conditions:
Hereditary cancer-predisposing syndrome. Also called: Neoplastic Syndromes, Hereditary; Tumor predisposition; Hereditary Cancer Syndrome; Hereditary neoplastic syndrome. Identifiers: Orphanet 140162, MedGen C0027672, MeSH D009386, MONDO:0015356.

Submission:

Ambry Genetics
Classification: Uncertain significance for Hereditary cancer-predisposing syndrome. Last evaluated: 2021-06-11. Review status: criteria provided, single submitter. Criteria: Ambry Variant Classification Scheme 2023. Collection method: clinical testing. Allele origin: germline.
Comment: The p.K161E variant (also known as c.481A>G), located in coding exon 5 of the MRE11A gene, results from an A to G substitution at nucleotide position 481. The lysine at codon 161 is replaced by glutamic acid, an amino acid with similar properties. This amino acid position is conserved. In addition, the in silico prediction for this alteration is inconclusive. Since supporting evidence is limited at this time, the clinical significance of this alteration remains unclear.